The following is an entry in ClinVar:

ClinVar aggregate classification (germline): Likely benign. Review status: criteria provided, multiple submitters, no conflicts (2 of 4 stars). 2 submissions from 2 submitters: Likely benign (2). Last evaluated 2024-07-10.

Conditions:
Long QT syndrome (LQTS). Identifiers: MedGen C0023976, MeSH D008133, MONDO:0002442. Disease mechanism: loss of function. Inheritance: Various modes of inheritance.
Cardiac arrhythmia. Also called: Arrhythmia; Cardiac rhythm disease. Identifiers: MedGen C0003811, MONDO:0007263, HP:0011675.

Submissions (2):

All of Us Research Program, National Institutes of Health
Classification: Likely benign for Long QT syndrome. Last evaluated: 2024-07-10. Review status: criteria provided, single submitter. Criteria: ACMG Guidelines, 2015. Collection method: clinical testing. Allele origin: germline. Inheritance: Autosomal dominant inheritance. Observed: 1 variant allele, 1 heterozygote.
Comment: This study involves interpretation of variants in research participants for the purpose of population health screening. Participant phenotype was not available at the time of variant classification. Additional details can be found in publication PMID: 35346344, PMCID: PMC8962531

Color Diagnostics, LLC DBA Color Health
Classification: Likely benign for Cardiac arrhythmia. Last evaluated: 2024-04-25. Review status: criteria provided, single submitter. Criteria: ACMG Guidelines, 2015. Collection method: clinical testing. Allele origin: germline.

NM_000238.4(KCNH2):c.917-16del

Gene: KCNH2 (potassium voltage-gated channel subfamily H member 2; minus strand). Cytogenetic location: 7q36.1.
Variant type: Deletion.
Coding change: c.917-16del on transcript NM_000238.4 (MANE Select); 16 bases into the intron before coding-DNA position 917, one base deleted (C; older notation c.917-16delC).
Molecular consequence: intron variant.
Genome position (GRCh38, 1-based): chr7:150,957,518, G deleted on the plus strand (C on the coding strand, the reverse complement: KCNH2 is on the minus strand). VCF-style (leftmost placement, unchanged base first): chr7-150957517-AG-A. GRCh37 (hg19) VCF-style: chr7-150654605-AG-A.
Other names: c.629-16del (NM_001406753.1, NM_001406756.1); c.917-16del (NM_172056.3); c.740-16del (NM_001406755.1); c.617-16del (NM_001406757.1).
Identifiers: ClinVar variation 3386911 (VCV003386911.2).
Genomic context (GRCh38, chr7:150,957,517, plus strand): 5'-TCCGAGGTGGAGTTGAGCAAGCCGCTGCGCAGTGGGTGCATGGCCCCTAGGTGGAGAGGC[AG>A]CGTGGTCAGGCCAGCAGCCCAGGGCCCCAGGCCAGGCAGGCCACCCATAGATCGAGAGTG-3'